The following is an entry in ClinVar:

NM_000256.3(MYBPC3):c.1352-5G>A

Gene: MYBPC3 (myosin binding protein C3; minus strand). Cytogenetic location: 11p11.2.
Variant type: single nucleotide variant.
Coding change: c.1352-5G>A on transcript NM_000256.3 (MANE Select); 5 bases into the intron before coding-DNA position 1352, G replaced by A.
Molecular consequence: intron variant.
Genome position (GRCh38, 1-based): chr11:47,342,940, C>T on the plus strand (G>A on the coding strand, the complement: MYBPC3 is on the minus strand). VCF-style: chr11-47342940-C-T. GRCh37 (hg19) VCF-style: chr11-47364491-C-T.
Identifiers: ClinVar variation 923874 (VCV000923874.9), dbSNP rs770888201, ClinGen allele CA078038.

ClinVar aggregate classification (germline): Likely benign. Review status: criteria provided, multiple submitters, no conflicts (2 of 4 stars). 4 submissions from 4 submitters: Likely benign (3). 1 of the submissions does not count toward it. Last evaluated 2025-07-01.

Conditions:
MYBPC3-related disorder. Also called: MYBPC3-related condition; MYBPC3-related disease; MYBPC3-related disorders.
Cardiovascular phenotype. Identifiers: MedGen CN230736.
Cardiomyopathy (CMYO). Also called: Cardiomyopathies. Identifiers: Orphanet 167848, MedGen C0878544, MONDO:0004994, HP:0001638. Inheritance: Various modes of inheritance.
Hypertrophic cardiomyopathy. Also called: HYPERTROPHIC MYOCARDIOPATHY. Identifiers: Orphanet 217569, MedGen C0007194, MeSH D002312, MONDO:0005045, HP:0001639.

Allele frequency attached by ClinVar (database versions not stated): gnomAD 0.00001; TOPMed 0.00001.
gnomAD v4.1: 6 of 1,610,946 alleles (0.00037%); highest among the groups gnomAD compares: Admixed American, 0.01%; no homozygotes.

Submissions (4):

Ambry Genetics
Classification: Likely benign for Cardiovascular phenotype. Last evaluated: 2025-07-01. Review status: criteria provided, single submitter. Criteria: Ambry Variant Classification Scheme 2023. Collection method: clinical testing. Allele origin: germline.

Labcorp Genetics (formerly Invitae), Labcorp
Classification: Likely benign for Hypertrophic cardiomyopathy. Last evaluated: 2025-06-27. Review status: criteria provided, single submitter. Criteria: Invitae Variant Classification Sherloc (09022015). Collection method: clinical testing. Allele origin: germline.

Color Diagnostics, LLC DBA Color Health
Classification: Likely benign for Cardiomyopathy. Last evaluated: 2019-04-15. Review status: criteria provided, single submitter. Criteria: ACMG Guidelines, 2015. Collection method: clinical testing. Allele origin: germline.

PreventionGenetics, part of Exact Sciences
Classification: Likely benign for MYBPC3-related condition. Last evaluated: 2020-08-13. Review status: no assertion criteria provided. Collection method: clinical testing. Allele origin: germline. Not counted in ClinVar's aggregate classification.
Comment: This variant is classified as likely benign based on ACMG/AMP sequence variant interpretation guidelines (Richards et al. 2015 PMID: 25741868, with internal and published modifications).